The following is an entry in ClinVar:

NM_182914.3(SYNE2):c.7028A>G (p.Glu2343Gly)

Gene: SYNE2 (spectrin repeat containing nuclear envelope protein 2; plus strand). Cytogenetic location: 14q23.2.
Variant type: single nucleotide variant.
Coding change: c.7028A>G on transcript NM_182914.3 (MANE Select); coding-DNA position 7028, A replaced by G.
Protein change: p.Glu2343Gly; replaces glutamic acid 2343 with glycine.
Molecular consequence: missense variant.
Genome position (GRCh38, 1-based): chr14:64,031,164, A>G. VCF-style: chr14-64031164-A-G. GRCh37 (hg19) VCF-style: chr14-64497882-A-G.
Other names: c.7028A>G, p.Glu2343Gly (NM_015180.6); short protein forms E2343G.
Identifiers: ClinVar variation 660720 (VCV000660720.9), dbSNP rs770601583, ClinGen allele CA7220838.

ClinVar aggregate classification (germline): Uncertain significance. Review status: criteria provided, multiple submitters, no conflicts (2 of 4 stars). 2 submissions from 2 submitters: Uncertain significance (2). Last evaluated 2019-10-29.

Conditions:
Emery-Dreifuss muscular dystrophy 5, autosomal dominant (EDMD5). Also called: EMERY-DREIFUSS MUSCULAR DYSTROPHY 5. Identifiers: Orphanet 261, MedGen C2751805, MONDO:0013072, OMIM 612999.

Allele frequency attached by ClinVar (database versions not stated): gnomAD exomes below 0.00001 and 0.00002; ExAC 0.00001; gnomAD 0.00001.
gnomAD v4.1: 26 of 1,614,102 alleles (0.0016%); highest among the groups gnomAD compares: Non-Finnish European, 0.0021%; no homozygotes.

Submissions (2):

Athena Diagnostics
Classification: Uncertain significance. Last evaluated: 2019-10-29. Review status: criteria provided, single submitter. Criteria: Athena Diagnostics Criteria. Collection method: clinical testing. Allele origin: unknown.

Labcorp Genetics (formerly Invitae), Labcorp
Classification: Uncertain significance for Emery-Dreifuss muscular dystrophy 5, autosomal dominant. Last evaluated: 2018-08-01. Review status: criteria provided, single submitter. Criteria: Invitae Variant Classification Sherloc (09022015). Collection method: clinical testing. Allele origin: germline.
Comment: This sequence change replaces glutamic acid with glycine at codon 2343 of the SYNE2 protein (p.Glu2343Gly). The glutamic acid residue is weakly conserved and there is a moderate physicochemical difference between glutamic acid and glycine. This variant has not been reported in the literature in individuals with SYNE2-related disease. This variant is present in population databases (rs770601583, ExAC 0.002%). In summary, the available evidence is currently insufficient to determine the role of this variant in disease. Therefore, it has been classified as a Variant of Uncertain Significance. Algorithms developed to predict the effect of missense changes on protein structure and function are either unavailable or do not agree on the potential impact of this missense change (SIFT: "Deleterious"; PolyPhen-2: "Benign"; Align-GVGD: "Class C0").